The following is an entry in ClinVar:

ClinVar aggregate classification (germline): Likely benign (1 of 4 stars; one submission).

Allele frequency attached by ClinVar (database versions not stated): gnomAD 0.00003 and 0.00004; TOPMed 0.00003; gnomAD exomes 0.00004.
gnomAD v4.1: 57 of 1,483,050 alleles (0.0038%); highest among the groups gnomAD compares: Admixed American, 0.011%; no homozygotes.

Submission:

GeneDx
Classification: Likely benign. Last evaluated: 2017-09-15. Review status: criteria provided, single submitter. Criteria: GeneDx Variant Classification (06012015). Collection method: clinical testing. Allele origin: germline. Affected: yes.
Comment: This variant is considered likely benign or benign based on one or more of the following criteria: it is a conservative change, it occurs at a poorly conserved position in the protein, it is predicted to be benign by multiple in silico algorithms, and/or has population frequency not consistent with disease.

NM_006231.4(POLE):c.-25A>G

Genes: POLE (DNA polymerase epsilon, catalytic subunit; minus strand), LOC130009266 (ATAC-STARR-seq lymphoblastoid silent region 5123; plus strand). Cytogenetic location: 12q24.33.
Variant type: single nucleotide variant.
Coding change: c.-25A>G on transcript NM_006231.4 (MANE Select); 25 bases upstream of the start codon, A replaced by G.
Molecular consequence: 5 prime UTR variant.
Genome position (GRCh38, 1-based): chr12:132,687,340, T>C on the plus strand (A>G on the coding strand, the complement: POLE is on the minus strand). VCF-style: chr12-132687340-T-C. GRCh37 (hg19) VCF-style: chr12-133263926-T-C.
Identifiers: ClinVar variation 517029 (VCV000517029.1), dbSNP rs1443530379, ClinGen allele CA608264296.